The following is an entry in ClinVar:

ClinVar aggregate classification (germline): Benign (0 of 4 stars; one submission).

Conditions:
DISC1-related disorder. Also called: DISC1-related condition.

Allele frequency attached by ClinVar (database versions not stated): 1000 Genomes Project 30x 0.00125; 1000 Genomes Project 0.00140; ESP Exome Variant Server 0.00200; TOPMed 0.00236; gnomAD 0.00279; ExAC 0.00348.
gnomAD v4.1: 6,097 of 1,614,182 alleles (0.38%); highest among the groups gnomAD compares: South Asian, 0.92%; 15 homozygotes.

Submission:

PreventionGenetics, part of Exact Sciences
Classification: Benign for DISC1-related condition. Last evaluated: 2019-06-11. Review status: no assertion criteria provided. Collection method: clinical testing. Allele origin: germline.
Comment: This variant is classified as benign based on ACMG/AMP sequence variant interpretation guidelines (Richards et al. 2015 PMID: 25741868, with internal and published modifications).

NM_018662.3(DISC1):c.1358C>T (p.Thr453Met)

Genes: DISC1 (DISC1 scaffold protein; plus strand), TSNAX-DISC1 (TSNAX-DISC1 readthrough (NMD candidate); plus strand). Cytogenetic location: 1q42.2.
Variant type: single nucleotide variant.
Coding change: c.1358C>T on transcript NM_018662.3 (MANE Select); coding-DNA position 1358, C replaced by T.
Protein change: p.Thr453Met; replaces threonine 453 with methionine.
Molecular consequence: missense variant. On other transcripts: non-coding transcript variant (6), intron variant (1).
Genome position (GRCh38, 1-based): chr1:231,767,229, C>T. VCF-style: chr1-231767229-C-T. GRCh37 (hg19) VCF-style: chr1-231902975-C-T.
Other names: c.1358C>T, p.Thr453Met (NM_001012957.2, NM_001012959.2, NM_001164538.2 and 9 more transcripts); c.1454C>T, p.Thr485Met (NM_001164537.2); c.308C>T, p.Thr103Met (NM_001164556.2); c.1268+17153C>T (NM_001164540.2); short protein forms T103M, T453M, T485M.
Identifiers: ClinVar variation 3039507 (VCV003039507.2), dbSNP rs28930675, ClinGen allele CA1453888.